The following is an entry in ClinVar:

ClinVar aggregate classification (germline): Uncertain significance. Review status: criteria provided, multiple submitters, no conflicts (2 of 4 stars). 3 submissions from 3 submitters: Uncertain significance (3). Last evaluated 2026-02-20.

Conditions:
Cardiovascular phenotype. Identifiers: MedGen CN230736.
Hereditary cancer-predisposing syndrome. Also called: Neoplastic Syndromes, Hereditary; Tumor predisposition; Hereditary neoplastic syndrome; Hereditary Cancer Syndrome. Identifiers: Orphanet 140162, MedGen C0027672, MeSH D009386, MONDO:0015356.
Noonan syndrome 10 (NS10). Identifiers: Orphanet 648, MedGen C4225280, MONDO:0014693, OMIM 616564.

Allele frequency attached by ClinVar (database versions not stated): gnomAD exomes 0.00001.
gnomAD v4.1: 13 of 1,612,266 alleles (0.00081%); highest among the groups gnomAD compares: South Asian, 0.0011%; no homozygotes.

Submissions (3):

St. Jude Molecular Pathology, St. Jude Children's Research Hospital
Classification: Uncertain significance for Noonan syndrome 10. Last evaluated: 2026-02-20. Review status: criteria provided, single submitter. Criteria: St. Jude Assertion Criteria 2020. Collection method: clinical testing. Allele origin: germline.
Comment: The LZTR1 c.1366G>A p.(Val456Met) missense change has a maximum subpopulation frequency of 0.003% in gnomAD v2.1.1. The in silico tool REVEL is inconclusive about a pathogenic or benign effect of this var iant on protein function, and to our knowledge functional studies have not been performed. To our knowledge, this variant has not been reported in individuals with Noonan syndrome or schwannomatosis. In summary, the evidence currently available is insuff icient to determine the clinical significance of this variant. It has therefore been classified as of uncertain significance.

Labcorp Genetics (formerly Invitae), Labcorp
Classification: Uncertain significance. Last evaluated: 2026-02-04. Review status: criteria provided, single submitter. Criteria: Invitae Variant Classification Sherloc (09022015). Collection method: clinical testing. Allele origin: germline.
Comment: This sequence change replaces valine, which is neutral and non-polar, with methionine, which is neutral and non-polar, at codon 456 of the LZTR1 protein (p.Val456Met). This variant is present in population databases (rs565109294, gnomAD 0.003%). This variant has not been reported in the literature in individuals affected with LZTR1-related conditions. ClinVar contains an entry for this variant (Variation ID: 1386710). Invitae Evidence Modeling of protein sequence and biophysical properties (such as structural, functional, and spatial information, amino acid conservation, physicochemical variation, residue mobility, and thermodynamic stability) indicates that this missense variant is not expected to disrupt LZTR1 protein function with a negative predictive value of 80%. In summary, the available evidence is currently insufficient to determine the role of this variant in disease. Therefore, it has been classified as a Variant of Uncertain Significance.

Ambry Genetics
Classification: Uncertain significance for Cardiovascular phenotype; Hereditary cancer-predisposing syndrome. Last evaluated: 2025-03-22. Review status: criteria provided, single submitter. Criteria: Ambry Variant Classification Scheme 2023. Collection method: clinical testing. Allele origin: germline.
Comment: The p.V456M variant (also known as c.1366G>A), located in coding exon 13 of the LZTR1 gene, results from a G to A substitution at nucleotide position 1366. The valine at codon 456 is replaced by methionine, an amino acid with highly similar properties. This amino acid position is highly conserved in available vertebrate species. In addition, the in silico prediction for this alteration is inconclusive. Since supporting evidence is limited at this time, the clinical significance of this alteration remains unclear.

NM_006767.4(LZTR1):c.1366G>A (p.Val456Met)

Gene: LZTR1 (leucine zipper like post translational regulator 1; plus strand). Cytogenetic location: 22q11.21.
Variant type: single nucleotide variant.
Coding change: c.1366G>A on transcript NM_006767.4 (MANE Select); coding-DNA position 1366, G replaced by A.
Protein change: p.Val456Met; replaces valine 456 with methionine.
Molecular consequence: missense variant.
Genome position (GRCh38, 1-based): chr22:20,993,936, G>A. VCF-style: chr22-20993936-G-A. GRCh37 (hg19) VCF-style: chr22-21348225-G-A.
Other names: short protein forms V456M.
Identifiers: ClinVar variation 1386710 (VCV001386710.11), dbSNP rs565109294, ClinGen allele CA10118860.